The following is an entry in ClinVar:

ClinVar aggregate classification (germline): Uncertain significance (1 of 4 stars; one submission).

Conditions:
Holoprosencephaly 9 (HPE9). Also called: HOLOPROSENCEPHALY WITH MICROPHTHALMIA AND FIRST BRANCHIAL ARCH ANOMALIES; PITUITARY ANOMALIES WITH HOLOPROSENCEPHALY-LIKE FEATURES. Identifiers: Orphanet 2162, MedGen C1835819, MONDO:0012563, OMIM 610829.
Postaxial polydactyly-anterior pituitary anomalies-facial dysmorphism syndrome. Also called: Culler-Jones syndrome. Identifiers: Orphanet 420584, MedGen C4014479, MONDO:0014369, OMIM 615849.

Allele frequency attached by ClinVar (database versions not stated): gnomAD 0.00001; gnomAD exomes 0.00001 and 0.00002; ExAC 0.00002; TOPMed 0.00003.
gnomAD v4.1: 20 of 1,601,164 alleles (0.0012%); highest among the groups gnomAD compares: Admixed American, 0.005%; no homozygotes.

Submission:

Labcorp Genetics (formerly Invitae), Labcorp
Classification: Uncertain significance for Postaxial polydactyly-anterior pituitary anomalies-facial dysmorphism syndrome; Holoprosencephaly 9. Last evaluated: 2024-02-09. Review status: criteria provided, single submitter. Criteria: Invitae Variant Classification Sherloc (09022015). Collection method: clinical testing. Allele origin: germline.
Comment: This sequence change replaces arginine, which is basic and polar, with cysteine, which is neutral and slightly polar, at codon 1382 of the GLI2 protein (p.Arg1382Cys). This variant is present in population databases (rs761959609, gnomAD 0.01%). This variant has not been reported in the literature in individuals affected with GLI2-related conditions. ClinVar contains an entry for this variant (Variation ID: 1477524). Advanced modeling of protein sequence and biophysical properties (such as structural, functional, and spatial information, amino acid conservation, physicochemical variation, residue mobility, and thermodynamic stability) performed at Invitae indicates that this missense variant is not expected to disrupt GLI2 protein function with a negative predictive value of 80%. In summary, the available evidence is currently insufficient to determine the role of this variant in disease. Therefore, it has been classified as a Variant of Uncertain Significance.

NM_001374353.1(GLI2):c.4093C>T (p.Arg1365Cys)

Gene: GLI2 (GLI family zinc finger 2; plus strand). Cytogenetic location: 2q14.2.
Variant type: single nucleotide variant.
Coding change: c.4093C>T on transcript NM_001374353.1 (MANE Select); coding-DNA position 4093, C replaced by T.
Protein change: p.Arg1365Cys; replaces arginine 1365 with cysteine.
Molecular consequence: missense variant.
Genome position (GRCh38, 1-based): chr2:120,990,058, C>T. VCF-style: chr2-120990058-C-T. GRCh37 (hg19) VCF-style: chr2-121747634-C-T.
Other names: c.4144C>T, p.Arg1382Cys (NM_001371271.1, NM_005270.5); c.3718C>T, p.Arg1240Cys (NM_001374354.1); short protein forms R1365C, R1382C, R1240C.
Identifiers: ClinVar variation 1477524 (VCV001477524.8), dbSNP rs761959609, ClinGen allele CA1852549.
Genomic context (GRCh38, chr2:120,990,058, plus strand): 5'-GCTACAGCAGGCTTTGGCCTAGTGCAGCCCCGGCCTCCCCTCGAGCCCAGCCCCACTGGC[C>T]GCCACCGTGGGGTACGTGCTGTGCAGCAGCAGCTGGCCTACGCCAGGGCCACAGGCCATG-3'
Protein context (NP_001361282.1, residues 1355-1375): RPPLEPSPTG[Arg1365Cys]HRGVRAVQQQ